The following is an entry in ClinVar:

ClinVar aggregate classification (germline): Uncertain significance (1 of 4 stars; one submission).

Conditions:
Neurofibromatosis, type 1 (NF1). Also called: Neurofibromatosis, type I; Peripheral type neurofibromatosis; VON RECKLINGHAUSEN DISEASE; NEUROFIBROMATOSIS, TYPE I, SOMATIC. Identifiers: Orphanet 636, MedGen C0027831, MONDO:0018975, OMIM 162200. Disease mechanism: loss of function.

Allele frequency attached by ClinVar (database versions not stated): gnomAD exomes below 0.00001.
gnomAD v4.1: 1 of 1,611,740 alleles (0.000062%); highest among the groups gnomAD compares: Non-Finnish European, 0.000085%; no homozygotes.

Submission:

Labcorp Genetics (formerly Invitae), Labcorp
Classification: Uncertain significance for Neurofibromatosis, type 1. Last evaluated: 2019-10-23. Review status: criteria provided, single submitter. Criteria: Invitae Variant Classification Sherloc (09022015). Collection method: clinical testing. Allele origin: germline.
Comment: This sequence change replaces leucine with isoleucine at codon 972 of the NF1 protein (p.Leu972Ile). The leucine residue is moderately conserved and there is a small physicochemical difference between leucine and isoleucine. This variant is not present in population databases (ExAC no frequency). This variant has not been reported in the literature in individuals with NF1-related conditions. Algorithms developed to predict the effect of missense changes on protein structure and function are either unavailable or do not agree on the potential impact of this missense change (SIFT: "Deleterious"; PolyPhen-2: "Probably Damaging"; Align-GVGD: "Class C0"). In summary, the available evidence is currently insufficient to determine the role of this variant in disease. Therefore, it has been classified as a Variant of Uncertain Significance.

NM_001042492.3(NF1):c.2914C>A (p.Leu972Ile)

Gene: NF1 (neurofibromin 1; plus strand). Cytogenetic location: 17q11.2.
Variant type: single nucleotide variant.
Coding change: c.2914C>A on transcript NM_001042492.3 (MANE Select); coding-DNA position 2914, C replaced by A.
Protein change: p.Leu972Ile; replaces leucine 972 with isoleucine.
Molecular consequence: missense variant.
Genome position (GRCh38, 1-based): chr17:31,229,898, C>A. VCF-style: chr17-31229898-C-A. GRCh37 (hg19) VCF-style: chr17-29556916-C-A.
Other names: c.2914C>A, p.Leu972Ile (NM_000267.4); short protein forms L972I.
Identifiers: ClinVar variation 964946 (VCV000964946.7), dbSNP rs2067083880, ClinGen allele CA398986178.
Genomic context (GRCh38, chr17:31,229,898, plus strand): 5'-TTATTGACTGATACCAATACTCAATTTGTAGAACAAACCATAGCTATAATGAAGAACTTG[C>A]TAGATAATCATACTGAAGGCAGCTCTGAACATCTAGGGCAAGCTAGCATTGAAACAATGA-3'
Protein context (NP_001035957.1, residues 962-982): EQTIAIMKNL[Leu972Ile]DNHTEGSSEH